The following is an entry in ClinVar:

NM_005236.3(ERCC4):c.3G>A (p.Met1Ile)

Genes: ERCC4 (ERCC excision repair 4, endonuclease catalytic subunit; plus strand), LOC130058543 (ATAC-STARR-seq lymphoblastoid active region 10486; plus strand). Cytogenetic location: 16p13.12.
Variant type: single nucleotide variant.
Coding change: c.3G>A on transcript NM_005236.3 (MANE Select); coding-DNA position 3, G replaced by A.
Protein change: p.Met1Ile; changes the start codon (methionine 1).
Molecular consequence: missense variant, initiator codon variant.
Genome position (GRCh38, 1-based): chr16:13,920,168, G>A. VCF-style: chr16-13920168-G-A. GRCh37 (hg19) VCF-style: chr16-14014025-G-A.
Other names: short protein forms M1I.
Identifiers: ClinVar variation 3753428 (VCV003753428.2).
Genomic context (GRCh38, chr16:13,920,168, plus strand): 5'-TCTCCACTAGGAGTCGGCTTCCTTCGGCTGCGTTCGGCTGCGACCCGGAAGAGCTTCCAT[G>A]GAGTCAGGGCAGCCGGCTCGACGGATTGCCATGGCGCCGCTGCTGGAGTACGAGCGACAG-3'
Protein context (NP_005227.1, residues 1-11): [Met1Ile]ESGQPARRIA

ClinVar aggregate classification (germline): Uncertain significance (1 of 4 stars; one submission).

Conditions:
Xeroderma pigmentosum, group F (XPF). Also called: XERODERMA PIGMENTOSUM, COMPLEMENTATION GROUP F; XERODERMA PIGMENTOSUM VI; XP, GROUP F; ERCC4-Related Xeroderma Pigmentosum; XERODERMA PIGMENTOSUM, TYPE F; Xeroderma pigmentosum, type 6. Identifiers: MedGen C0268140, MONDO:0010215, OMIM 278760.
Fanconi anemia complementation group Q. Identifiers: Orphanet 84, MedGen C3808988, MONDO:0014108, OMIM 615272.
Cockayne syndrome. Identifiers: Orphanet 191, MedGen C0009207, MONDO:0016006.

Submission:

Labcorp Genetics (formerly Invitae), Labcorp
Classification: Uncertain significance for Fanconi anemia complementation group Q; Xeroderma pigmentosum, group F; Cockayne syndrome. Last evaluated: 2024-10-09. Review status: criteria provided, single submitter. Criteria: Invitae Variant Classification Sherloc (09022015). Collection method: clinical testing. Allele origin: germline.
Comment: This sequence change affects the initiator methionine of the ERCC4 mRNA. The next in-frame methionine is located at codon 12. This variant is not present in population databases (gnomAD no frequency). This variant has not been reported in the literature in individuals affected with ERCC4-related conditions. Experimental studies and prediction algorithms are not available or were not evaluated, and the functional significance of this variant is currently unknown. In summary, the available evidence is currently insufficient to determine the role of this variant in disease. Therefore, it has been classified as a Variant of Uncertain Significance.